The following is an entry in ClinVar:

NC_000006.11:g.(?_74310064)_(74310174_?)del

Gene: SLC17A5 (solute carrier family 17 member 5; minus strand). Cytogenetic location: 6q13.
Variant type: Deletion.
Identifiers: ClinVar variation 2425813 (VCV002425813.3).

ClinVar aggregate classification (germline): Pathogenic (1 of 4 stars; one submission).

Conditions:
Salla disease (SD). Also called: Less Severe FSASD (Salla Disease); Sialuria, Finnish type; N-acetylneuraminic acid (NANA) storage disease (NSD); Infantile sialic acid storage disorder (ISSD). Identifiers: Orphanet 309334, Orphanet 834, MedGen C1096903, MONDO:0011449, OMIM 604369.

Submission:

Labcorp Genetics (formerly Invitae), Labcorp
Classification: Pathogenic for Salla disease. Last evaluated: 2022-08-21. Review status: criteria provided, single submitter. Criteria: Invitae Variant Classification Sherloc (09022015). Collection method: clinical testing. Allele origin: germline.
Comment: This variant is a gross deletion of the genomic region encompassing exon(s) 10 of the SLC17A5 gene. While this deletion is not anticipated to lead to nonsense mediated decay, it is expected to disrupt the C-terminus of the protein. This variant has not been reported in the literature in individuals affected with SLC17A5-related conditions. This variant disrupts a region of the SLC17A5 protein in which other variant(s) (p.Phe432Leufs*16) have been determined to be pathogenic (PMID: 15805149). This suggests that this is a clinically significant region of the protein, and that variants that disrupt it are likely to be disease-causing. For these reasons, this variant has been classified as Pathogenic.

Literature cited by the submitters: PubMed 15805149.